The following is an entry in ClinVar:

NM_001033855.3(DCLRE1C):c.594G>A (p.Pro198=)

Gene: DCLRE1C (DNA cross-link repair 1C; minus strand). Cytogenetic location: 10p13.
Variant type: single nucleotide variant.
Coding change: c.594G>A on transcript NM_001033855.3 (MANE Select); coding-DNA position 594, G replaced by A.
Protein change: p.Pro198=; no amino-acid change (proline 198 retained).
Molecular consequence: synonymous variant. On other transcripts: non-coding transcript variant (4).
Genome position (GRCh38, 1-based): chr10:14,934,464, C>T on the plus strand (G>A on the coding strand, the complement: DCLRE1C is on the minus strand). VCF-style: chr10-14934464-C-T. GRCh37 (hg19) VCF-style: chr10-14976463-C-T.
Other names: c.234G>A, p.Pro78= (NM_001033857.3, NM_001033858.3, NM_001289077.2 and 2 more transcripts); c.249G>A, p.Pro83= (NM_001289076.2, NM_001289078.2, NM_001350966.2 and 1 more transcripts); c.594G>A, p.Pro198= (NM_001350965.2).
Identifiers: ClinVar variation 703050 (VCV000703050.16), dbSNP rs138120763, ClinGen allele CA5416769.

ClinVar aggregate classification (germline): Likely benign. Review status: criteria provided, multiple submitters, no conflicts (2 of 4 stars). 4 submissions from 4 submitters: Likely benign (2). 2 of the submissions do not count toward it. Last evaluated 2026-01-05.

Conditions:
Histiocytic medullary reticulosis. Also called: SEVERE COMBINED IMMUNODEFICIENCY WITH HYPEREOSINOPHILIA; Omenn syndrome. Identifiers: Orphanet 39041, MedGen C2700553, MONDO:0011338, OMIM 603554.
DCLRE1C-related disorder. Also called: DCLRE1C-related condition.
Severe combined immunodeficiency due to DCLRE1C deficiency (RS-SCID). Also called: SCID, AUTOSOMAL RECESSIVE, T CELL-NEGATIVE, B CELL-NEGATIVE, NK CELL-POSITIVE, WITH SENSITIVITY TO IONIZING RADIATION. Identifiers: Orphanet 275, MedGen C1865371, MONDO:0011225, OMIM 602450.

Allele frequency attached by ClinVar (database versions not stated): 1000 Genomes Project 30x 0.00016; ESP Exome Variant Server 0.00023; TOPMed 0.00009; 1000 Genomes Project 0.00020.
gnomAD v4.1: 273 of 1,614,172 alleles (0.017%); highest among the groups gnomAD compares: Non-Finnish European, 0.022%; no homozygotes.

Submissions (4):

Labcorp Genetics (formerly Invitae), Labcorp
Classification: Likely benign for Athabaskan severe combined immunodeficiency. Last evaluated: 2026-01-05. Review status: criteria provided, single submitter. Criteria: Invitae Variant Classification Sherloc (09022015). Collection method: clinical testing. Allele origin: germline.

Blueprint Genetics
Classification: Likely benign. Last evaluated: 2024-11-23. Review status: criteria provided, single submitter. Criteria: ACMG Guidelines, 2015. Collection method: clinical testing. Allele origin: germline.

Natera, Inc.
Classification: Likely benign for Omenn syndrome. Last evaluated: 2020-09-16. Review status: no assertion criteria provided. Collection method: clinical testing. Allele origin: germline. Not counted in ClinVar's aggregate classification.

PreventionGenetics, part of Exact Sciences
Classification: Likely benign for DCLRE1C-related condition. Last evaluated: 2019-08-14. Review status: no assertion criteria provided. Collection method: clinical testing. Allele origin: germline. Not counted in ClinVar's aggregate classification.
Comment: This variant is classified as likely benign based on ACMG/AMP sequence variant interpretation guidelines (Richards et al. 2015 PMID: 25741868, with internal and published modifications).